The following is an entry in ClinVar:

NM_001267550.2(TTN):c.106378A>G (p.Ile35460Val)

Genes: TTN-AS1 (TTN antisense RNA 1; plus strand), TTN (titin; minus strand). Cytogenetic location: 2q31.2.
Variant type: single nucleotide variant.
Coding change: c.106378A>G on transcript NM_001267550.2 (MANE Select); coding-DNA position 106378, A replaced by G.
Protein change: p.Ile35460Val; replaces isoleucine 35460 with valine.
Molecular consequence: missense variant.
Genome position (GRCh38, 1-based): chr2:178,530,113, T>C on the plus strand (A>G on the coding strand, the complement: TTN is on the minus strand). VCF-style: chr2-178530113-T-C. GRCh37 (hg19) VCF-style: chr2-179394840-T-C.
Other names: c.101455A>G, p.Ile33819Val (NM_001256850.1); c.79183A>G, p.Ile26395Val (NM_003319.4); c.98674A>G, p.Ile32892Val (NM_133378.4); c.79558A>G, p.Ile26520Val (NM_133432.3); c.79759A>G, p.Ile26587Val (NM_133437.4); short protein forms I26395V, I26587V, I33819V, I35460V, I26520V, I32892V.
Identifiers: ClinVar variation 1397267 (VCV001397267.6), dbSNP rs1688408023, ClinGen allele CA349405629.

ClinVar aggregate classification (germline): Uncertain significance (1 of 4 stars; one submission).

Conditions:
Dilated cardiomyopathy 1G (CMD1G). Identifiers: Orphanet 154, MedGen C1858763, MONDO:0011400, OMIM 604145.
Autosomal recessive limb-girdle muscular dystrophy type 2J (LGMDR10). Also called: Limb-girdle muscular dystrophy, type 2J; MUSCULAR DYSTROPHY, LIMB-GIRDLE, AUTOSOMAL RECESSIVE 10. Identifiers: Orphanet 140922, MedGen C1837342, MONDO:0012127, OMIM 608807.

Allele frequency attached by ClinVar (database versions not stated): gnomAD exomes below 0.00001.
gnomAD v4.1: 1 of 1,582,778 alleles (0.000063%); highest among the groups gnomAD compares: Non-Finnish European, 0.000085%; no homozygotes.

Submission:

Labcorp Genetics (formerly Invitae), Labcorp
Classification: Uncertain significance for Dilated cardiomyopathy 1G; Autosomal recessive limb-girdle muscular dystrophy type 2J. Last evaluated: 2024-10-15. Review status: criteria provided, single submitter. Criteria: Invitae Variant Classification Sherloc (09022015). Collection method: clinical testing. Allele origin: germline.
Comment: This sequence change replaces isoleucine, which is neutral and non-polar, with valine, which is neutral and non-polar, at codon 35460 of the TTN protein (p.Ile35460Val). This variant is not present in population databases (gnomAD no frequency). This variant has not been reported in the literature in individuals affected with TTN-related conditions. ClinVar contains an entry for this variant (Variation ID: 1397267). An algorithm developed to predict the effect of missense changes on protein structure and function outputs the following: PolyPhen-2: "Not Available". The valine amino acid residue is found in multiple mammalian species, which suggests that this missense change does not adversely affect protein function. This variant is located in the M band of TTN (PMID: 25589632). Non-truncating variants in this region may be relevant for neuromuscular disorders, but have not been definitively shown to cause cardiomyopathy (PMID: 23975875). In summary, the available evidence is currently insufficient to determine the role of this variant in disease. Therefore, it has been classified as a Variant of Uncertain Significance.

Literature cited by the submitters: PubMed 25589632; PubMed 23975875.